The following is an entry in ClinVar:

ClinVar aggregate classification (germline): Uncertain significance (1 of 4 stars; one submission).

Allele frequency attached by ClinVar (database versions not stated): ExAC 0.00001; gnomAD 0.00001 and 0.00002; gnomAD exomes 0.00001; TOPMed 0.00001.
gnomAD v4.1: 23 of 1,612,920 alleles (0.0014%); highest among the groups gnomAD compares: East Asian, 0.0045%; no homozygotes.

Submission:

Labcorp Genetics (formerly Invitae), Labcorp
Classification: Uncertain significance. Last evaluated: 2022-02-23. Review status: criteria provided, single submitter. Criteria: Invitae Variant Classification Sherloc (09022015). Collection method: clinical testing. Allele origin: germline.
Comment: This sequence change replaces serine, which is neutral and polar, with leucine, which is neutral and non-polar, at codon 151 of the LRRC56 protein (p.Ser151Leu). This variant is present in population databases (rs560844721, gnomAD 0.004%). This variant has not been reported in the literature in individuals affected with LRRC56-related conditions. Algorithms developed to predict the effect of missense changes on protein structure and function are either unavailable or do not agree on the potential impact of this missense change (SIFT: "Deleterious"; PolyPhen-2: "Possibly Damaging"; Align-GVGD: "Class C15"). In summary, the available evidence is currently insufficient to determine the role of this variant in disease. Therefore, it has been classified as a Variant of Uncertain Significance.

NM_198075.4(LRRC56):c.452C>T (p.Ser151Leu)

Gene: LRRC56 (leucine rich repeat containing 56; plus strand). Cytogenetic location: 11p15.5.
Variant type: single nucleotide variant.
Coding change: c.452C>T on transcript NM_198075.4 (MANE Select); coding-DNA position 452, C replaced by T.
Protein change: p.Ser151Leu; replaces serine 151 with leucine.
Molecular consequence: missense variant.
Genome position (GRCh38, 1-based): chr11:550,100, C>T. VCF-style: chr11-550100-C-T. GRCh37 (hg19) VCF-style: chr11-550100-C-T.
Other names: short protein forms S151L.
Identifiers: ClinVar variation 1505229 (VCV001505229.3), dbSNP rs560844721, ClinGen allele CA5779715.